The following is an entry in ClinVar:

NM_203447.4(DOCK8):c.2411T>C (p.Val804Ala)

Gene: DOCK8 (dedicator of cytokinesis 8; plus strand). Cytogenetic location: 9p24.3.
Variant type: single nucleotide variant.
Coding change: c.2411T>C on transcript NM_203447.4 (MANE Select); coding-DNA position 2411, T replaced by C.
Protein change: p.Val804Ala; replaces valine 804 with alanine.
Molecular consequence: missense variant.
Genome position (GRCh38, 1-based): chr9:377,182, T>C. VCF-style: chr9-377182-T-C. GRCh37 (hg19) VCF-style: chr9-377182-T-C.
Other names: c.2207T>C, p.Val736Ala (NM_001190458.2, NM_001193536.2); short protein forms V736A, V804A.
Identifiers: ClinVar variation 2117575 (VCV002117575.4), dbSNP rs2538343221, ClinGen allele CA372763536.

ClinVar aggregate classification (germline): Uncertain significance (1 of 4 stars; one submission).

Conditions:
Combined immunodeficiency due to DOCK8 deficiency (HIES2). Also called: HIES autosomal recessive; HYPER-IgE RECURRENT INFECTION SYNDROME 2, AUTOSOMAL RECESSIVE; HYPER-IgE SYNDROME 2, AUTOSOMAL RECESSIVE, WITH RECURRENT INFECTIONS; DOCK8 Deficiency; Hyper-IgE recurrent infection syndrome, autosomal recessive. Identifiers: Orphanet 217390, MedGen C4722305, MONDO:0009478, OMIM 243700.

Submission:

Labcorp Genetics (formerly Invitae), Labcorp
Classification: Uncertain significance for Combined immunodeficiency due to DOCK8 deficiency. Last evaluated: 2022-03-26. Review status: criteria provided, single submitter. Criteria: Invitae Variant Classification Sherloc (09022015). Collection method: clinical testing. Allele origin: germline.
Comment: In summary, the available evidence is currently insufficient to determine the role of this variant in disease. Therefore, it has been classified as a Variant of Uncertain Significance. Algorithms developed to predict the effect of missense changes on protein structure and function (SIFT, PolyPhen-2, Align-GVGD) all suggest that this variant is likely to be tolerated. This variant has not been reported in the literature in individuals affected with DOCK8-related conditions. This variant is not present in population databases (gnomAD no frequency). This sequence change replaces valine, which is neutral and non-polar, with alanine, which is neutral and non-polar, at codon 804 of the DOCK8 protein (p.Val804Ala).